The following is an entry in ClinVar:

NM_014845.6(FIG4):c.1712T>G (p.Met571Arg)

Gene: FIG4 (FIG4 phosphoinositide 5-phosphatase; plus strand). Cytogenetic location: 6q21.
Variant type: single nucleotide variant.
Coding change: c.1712T>G on transcript NM_014845.6 (MANE Select); coding-DNA position 1712, T replaced by G.
Protein change: p.Met571Arg; replaces methionine 571 with arginine.
Molecular consequence: missense variant.
Genome position (GRCh38, 1-based): chr6:109,766,857, T>G. VCF-style: chr6-109766857-T-G. GRCh37 (hg19) VCF-style: chr6-110088060-T-G.
Other names: short protein forms M571R.
Identifiers: ClinVar variation 1461079 (VCV001461079.6), dbSNP rs2128392626, ClinGen allele CA365228742.

ClinVar aggregate classification (germline): Uncertain significance (1 of 4 stars; one submission).

Conditions:
Charcot-Marie-Tooth disease type 4. Also called: Charcot-Marie-Tooth disease, type IV; Charcot-Marie-Tooth, Type 4. Identifiers: Orphanet 64749, MedGen C4082197, MONDO:0018995.

Allele frequency attached by ClinVar (database versions not stated): gnomAD exomes below 0.00001.
gnomAD v4.1: 4 of 1,614,160 alleles (0.00025%); highest among the groups gnomAD compares: South Asian, 0.0011%; no homozygotes.

Submission:

Labcorp Genetics (formerly Invitae), Labcorp
Classification: Uncertain significance for Charcot-Marie-Tooth disease type 4. Last evaluated: 2022-11-15. Review status: criteria provided, single submitter. Criteria: Invitae Variant Classification Sherloc (09022015). Collection method: clinical testing. Allele origin: germline.
Comment: In summary, the available evidence is currently insufficient to determine the role of this variant in disease. Therefore, it has been classified as a Variant of Uncertain Significance. Algorithms developed to predict the effect of missense changes on protein structure and function are either unavailable or do not agree on the potential impact of this missense change (SIFT: "Deleterious"; PolyPhen-2: "Benign"; Align-GVGD: "Class C35"). ClinVar contains an entry for this variant (Variation ID: 1461079). This variant has not been reported in the literature in individuals affected with FIG4-related conditions. This variant is not present in population databases (gnomAD no frequency). This sequence change replaces methionine, which is neutral and non-polar, with arginine, which is basic and polar, at codon 571 of the FIG4 protein (p.Met571Arg).